The following is an entry in ClinVar:

NM_001875.5(CPS1):c.3933del (p.Met1312fs)

Gene: CPS1 (carbamoyl-phosphate synthase 1; plus strand). Cytogenetic location: 2q34.
Variant type: Deletion.
Coding change: c.3933del on transcript NM_001875.5 (MANE Select); coding-DNA position 3933, one base deleted (C; older notation c.3933delC).
Protein change: p.Met1312fs; shifts the reading frame from methionine 1312.
Molecular consequence: frameshift variant. On other transcripts: non-coding transcript variant (2).
Genome position (GRCh38, 1-based): chr2:210,663,128, C deleted; the last of 3 consecutive C bases (chr2:210,663,126-210,663,128); deleting any one gives the same sequence. VCF-style (leftmost placement, unchanged base first): chr2-210663125-TC-T. GRCh37 (hg19) VCF-style: chr2-211527849-TC-T.
Other names: c.3933del, p.Met1312fs (NM_001122633.3, NM_001369257.1); c.3966del, p.Met1323fs (NM_001369256.1); short protein forms M1312fs, M1323fs.
Identifiers: ClinVar variation 1725629 (VCV001725629.2), dbSNP rs2469339814, ClinGen allele CA2580065560.
Genomic context (GRCh38, chr2:210,663,125, plus strand): 5'-TTCATTTTCTACTTTTCCCTCACATAATTTTTCTCCCTGTTTTTTTTTTTTCCAACAGGC[TC>T]CCATGTTTTCCTGGCCCCGGTTGAGGGATGCTGACCCCATTCTGAGATGTGAGATGGCTT-3'

ClinVar aggregate classification (germline): Likely pathogenic (1 of 4 stars; one submission).

Conditions:
Congenital hyperammonemia, type I. Also called: Carbamoyl phosphate synthetase 1 deficiency; Hyperammonemia due to carbamoyl phosphate synthetase 1 deficiency; CPS 1 deficiency; Carbamyl phosphate synthetase (CPS) deficiency; CPS I DEFICIENCY; Carbamoyl-phosphate synthase I deficiency. Identifiers: Orphanet 147, MedGen C4082171, MONDO:0009376, OMIM 237300.

Submission:

Myriad Genetics, Inc.
Classification: Likely pathogenic for Congenital hyperammonemia, type I. Last evaluated: 2022-03-30. Review status: criteria provided, single submitter. Criteria: Myriad Women's Health Autosomal Recessive and X-Linked Classification Criteria (2021). Collection method: clinical testing. Allele origin: unknown.
Comment: NM_001875.4(CPS1):c.3933delC(M1312Cfs*7) is expected to be pathogenic in the context of carbamoylphosphate synthetase I deficiency. This variant is predicted to lead to an abnormal or absent protein product due to the creation of a premature termination codon in CPS1, a gene where loss-of-function variants are known to be pathogenic. Please note: this variant was assessed in the context of healthy population screening.